The following is an entry in ClinVar:

NC_000002.12:g.(?_32087482)_(32116222_?)del

Gene: SPAST (spastin; plus strand). Cytogenetic location: 2p22.3.
Variant type: Deletion.
Identifiers: ClinVar variation 831297 (VCV000831297.1).

ClinVar aggregate classification (germline): Pathogenic (1 of 4 stars; one submission).

Conditions:
Hereditary spastic paraplegia 4. Also called: Spastic paraplegia 4, autosomal dominant; Spastic Paraplegia 4; Familial spastic paraplegia autosomal dominant 2. Identifiers: Orphanet 100985, MedGen C1866855, MONDO:0008438, OMIM 182601.

Submission:

Labcorp Genetics (formerly Invitae), Labcorp
Classification: Pathogenic for Spastic paraplegia 4, autosomal dominant. Last evaluated: 2019-08-25. Review status: criteria provided, single submitter. Criteria: Invitae Variant Classification Sherloc (09022015). Collection method: clinical testing. Allele origin: germline.
Comment: This variant is an out-of-frame deletion of the genomic region encompassing exons 2-7 of the SPAST gene. This is expected to create a premature translational stop signal and result in an absent or disrupted protein product. A similar deletion of exons 2-7 has been reported in individuals affected with spastic paraplegia (PMID: 25065914). Loss-of-function variants in SPAST are known to be pathogenic (PMID: 20932283). For these reasons, this variant has been classified as Pathogenic.

Literature cited by the submitters: PubMed 25065914.